The following is an entry in ClinVar:

ClinVar aggregate classification (germline): Uncertain significance (1 of 4 stars; one submission).

Conditions:
Cardiovascular phenotype. Identifiers: MedGen CN230736.

Submission:

Ambry Genetics
Classification: Uncertain significance for Cardiovascular phenotype. Last evaluated: 2026-04-09. Review status: criteria provided, single submitter. Criteria: Ambry Variant Classification Scheme 2023. Collection method: clinical testing. Allele origin: germline.
Comment: The p.R133K variant (also known as c.398G>A), located in coding exon 1 of the LOX gene, results from a G to A substitution at nucleotide position 398. The arginine at codon 133 is replaced by lysine, an amino acid with highly similar properties. This amino acid position is conserved. In addition, this alteration is predicted to be tolerated by in silico analysis. Based on the available evidence, the clinical significance of this variant remains unclear.

NM_002317.7(LOX):c.398G>A (p.Arg133Lys)

Genes: LOX (lysyl oxidase; minus strand), SRFBP1 (serum response factor binding protein 1; plus strand). Cytogenetic location: 5q23.1.
Variant type: single nucleotide variant.
Coding change: c.398G>A on transcript NM_002317.7 (MANE Select); coding-DNA position 398, G replaced by A.
Protein change: p.Arg133Lys; replaces arginine 133 with lysine.
Molecular consequence: missense variant.
Genome position (GRCh38, 1-based): chr5:122,077,588, C>T on the plus strand (G>A on the coding strand, the complement: LOX is on the minus strand). VCF-style: chr5-122077588-C-T. GRCh37 (hg19) VCF-style: chr5-121413283-C-T.
Other names: short protein forms R133K.
Identifiers: ClinVar variation 4859242 (VCV004859242.1).